The following is an entry in ClinVar:

ClinVar aggregate classification (germline): Uncertain significance. Review status: criteria provided, multiple submitters, no conflicts (2 of 4 stars). 2 submissions from 2 submitters: Uncertain significance (2). Last evaluated 2025-04-13.

Conditions:
Cardiovascular phenotype. Identifiers: MedGen CN230736.

Allele frequency attached by ClinVar (database versions not stated): gnomAD 0.00004.
gnomAD v4.1: 26 of 1,614,014 alleles (0.0016%); highest among the groups gnomAD compares: Non-Finnish European, 0.0022%; no homozygotes.

Submissions (2):

Ambry Genetics
Classification: Uncertain significance for Cardiovascular phenotype. Last evaluated: 2025-04-13. Review status: criteria provided, single submitter. Criteria: Ambry Variant Classification Scheme 2023. Collection method: clinical testing. Allele origin: germline.
Comment: The p.L620I variant (also known as c.1858C>A), located in coding exon 12 of the ABCG8 gene, results from a C to A substitution at nucleotide position 1858. The leucine at codon 620 is replaced by isoleucine, an amino acid with highly similar properties. This amino acid position is conserved. In addition, this alteration is predicted to be tolerated by in silico analysis. Based on the available evidence, the clinical significance of this variant remains unclear.

Labcorp Genetics (formerly Invitae), Labcorp
Classification: Uncertain significance. Last evaluated: 2024-01-29. Review status: criteria provided, single submitter. Criteria: Invitae Variant Classification Sherloc (09022015). Collection method: clinical testing. Allele origin: germline.
Comment: This sequence change replaces leucine, which is neutral and non-polar, with isoleucine, which is neutral and non-polar, at codon 620 of the ABCG8 protein (p.Leu620Ile). This variant is present in population databases (rs746858868, gnomAD 0.006%). This variant has not been reported in the literature in individuals affected with ABCG8-related conditions. Advanced modeling of protein sequence and biophysical properties (such as structural, functional, and spatial information, amino acid conservation, physicochemical variation, residue mobility, and thermodynamic stability) performed at Invitae indicates that this missense variant is not expected to disrupt ABCG8 protein function with a negative predictive value of 80%. In summary, the available evidence is currently insufficient to determine the role of this variant in disease. Therefore, it has been classified as a Variant of Uncertain Significance.

NM_022437.3(ABCG8):c.1858C>A (p.Leu620Ile)

Gene: ABCG8 (ATP binding cassette subfamily G member 8; plus strand). Cytogenetic location: 2p21.
Variant type: single nucleotide variant.
Coding change: c.1858C>A on transcript NM_022437.3 (MANE Select); coding-DNA position 1858, C replaced by A.
Protein change: p.Leu620Ile; replaces leucine 620 with isoleucine.
Molecular consequence: missense variant.
Genome position (GRCh38, 1-based): chr2:43,877,662, C>A. VCF-style: chr2-43877662-C-A. GRCh37 (hg19) VCF-style: chr2-44104801-C-A.
Other names: c.1855C>A, p.Leu619Ile (NM_001357321.2); c.1858C>A (NM_022437.2); short protein forms L619I, L620I.
Identifiers: ClinVar variation 2893146 (VCV002893146.2), dbSNP rs746858868, ClinGen allele CA1637684.